The following is an entry in ClinVar:

ClinVar aggregate classification (germline): Pathogenic (1 of 4 stars; one submission).

Conditions:
Cardiovascular phenotype. Identifiers: MedGen CN230736.
Hereditary cancer-predisposing syndrome. Also called: Tumor predisposition; Neoplastic Syndromes, Hereditary; Hereditary Cancer Syndrome; Hereditary neoplastic syndrome. Identifiers: Orphanet 140162, MedGen C0027672, MeSH D009386, MONDO:0015356.

Submission:

Ambry Genetics
Classification: Pathogenic for Cardiovascular phenotype; Hereditary cancer-predisposing syndrome. Last evaluated: 2025-01-19. Review status: criteria provided, single submitter. Criteria: Ambry Variant Classification Scheme 2023. Collection method: clinical testing. Allele origin: germline.
Comment: The c.415delG pathogenic mutation, located in coding exon 5 of the LZTR1 gene, results from a deletion of one nucleotide at nucleotide position 415, causing a translational frameshift with a predicted alternate stop codon (p.D139Tfs*8). This alteration is expected to result in loss of function by premature protein truncation or nonsense-mediated mRNA decay. Loss-of-function variants in LZTR1 are related to an increased risk for schwannomas and autosomal recessive Noonan syndrome; however, such associations with autosomal dominant Noonan syndrome have not been observed (Piotrowski A et al. Nat Genet. 2014 Feb;46:182-7; Yamamoto GL et al. J Med Genet. 2015 Jun;52:413-21; Johnston JJ et al. Genet Med. 2018 10;20:1175-1185). This variant is considered to be rare based on population cohorts in the Genome Aggregation Database (gnomAD). Based on the supporting evidence, this variant is pathogenic for an increased risk of LZTR1-related schwannomatosis (SWN) and would be expected to cause autosomal recessive Noonan syndrome when present along with a second pathogenic or likely pathogenic variant on the other allele; however, the association of this alteration with autosomal dominant Noonan syndrome is unlikely.

NM_006767.4(LZTR1):c.415del (p.Asp139fs)

Gene: LZTR1 (leucine zipper like post translational regulator 1; plus strand). Cytogenetic location: 22q11.21.
Variant type: Deletion.
Coding change: c.415del on transcript NM_006767.4 (MANE Select); coding-DNA position 415, one base deleted (G; older notation c.415delG).
Protein change: p.Asp139fs; shifts the reading frame from aspartic acid 139.
Molecular consequence: frameshift variant.
Genome position (GRCh38, 1-based): chr22:20,988,024, G deleted; the last of 4 consecutive G bases (chr22:20,988,021-20,988,024); deleting any one gives the same sequence. VCF-style (leftmost placement, unchanged base first): chr22-20988020-TG-T. GRCh37 (hg19) VCF-style: chr22-21342309-TG-T.
Other names: short protein forms D139fs.
Identifiers: ClinVar variation 3869303 (VCV003869303.1).